The following is an entry in ClinVar:

ClinVar aggregate classification (germline): Uncertain significance (1 of 4 stars; one submission).

Conditions:
Hereditary spastic paraplegia 7 (SPG7). Also called: SPASTIC PARAPLEGIA 7, AUTOSOMAL RECESSIVE, WITH OR WITHOUT CEREBELLAR ATAXIA; SPG7-related neurologic disorder; Spastic paraplegia 7; Hereditary spastic paraplegia Paraplegin type; Autosomal recessive spastic paraplegia type 7. Identifiers: Orphanet 99013, MedGen C1846564, MONDO:0011803, OMIM 607259.

Submission:

Labcorp Genetics (formerly Invitae), Labcorp
Classification: Uncertain significance for Hereditary spastic paraplegia 7. Last evaluated: 2025-12-30. Review status: criteria provided, single submitter. Criteria: Invitae Variant Classification Sherloc (09022015). Collection method: clinical testing. Allele origin: germline.
Comment: This sequence change falls in intron 12 of the SPG7 gene. It does not directly change the encoded amino acid sequence of the SPG7 protein. It affects a nucleotide within the consensus splice site. The frequency data for this variant in the population databases is considered unreliable, as metrics indicate poor data quality at this position in the gnomAD database. This variant has not been reported in the literature in individuals affected with SPG7-related conditions. Variants that disrupt the consensus splice site are a relatively common cause of aberrant splicing (PMID: 17576681, 9536098). Algorithms developed to predict the effect of sequence changes on RNA splicing suggest that this variant is not likely to affect RNA splicing. In summary, the available evidence is currently insufficient to determine the role of this variant in disease. Therefore, it has been classified as a Variant of Uncertain Significance.

Literature cited by the submitters: PubMed 17576681; PubMed 9536098.

NM_003119.4(SPG7):c.1663+3A>G

Gene: SPG7 (SPG7 matrix AAA peptidase subunit, paraplegin; plus strand). Cytogenetic location: 16q24.3.
Variant type: single nucleotide variant.
Coding change: c.1663+3A>G on transcript NM_003119.4 (MANE Select); 3 bases into the intron after coding-DNA position 1663, A replaced by G.
Molecular consequence: intron variant.
Genome position (GRCh38, 1-based): chr16:89,548,116, A>G. VCF-style: chr16-89548116-A-G. GRCh37 (hg19) VCF-style: chr16-89614524-A-G.
Other names: c.1663+3A>G (NM_001363850.1).
Identifiers: ClinVar variation 4707105 (VCV004707105.1).